The following is an entry in ClinVar:

NM_000435.3(NOTCH3):c.6627G>A (p.Pro2209=)

Gene: NOTCH3 (notch receptor 3; minus strand). Cytogenetic location: 19p13.12.
Variant type: single nucleotide variant.
Coding change: c.6627G>A on transcript NM_000435.3 (MANE Select); coding-DNA position 6627, G replaced by A.
Protein change: p.Pro2209=; no amino-acid change (proline 2209 retained).
Molecular consequence: synonymous variant.
Genome position (GRCh38, 1-based): chr19:15,161,001, C>T on the plus strand (G>A on the coding strand, the complement: NOTCH3 is on the minus strand). VCF-style: chr19-15161001-C-T. GRCh37 (hg19) VCF-style: chr19-15271812-C-T.
Other names: p.Pro2209=.
Identifiers: ClinVar variation 1623664 (VCV001623664.9), dbSNP rs760880486, ClinGen allele CA9262335.
Genomic context (GRCh38, chr19:15,161,001, plus strand): 5'-GCTGCTGTGTGCCCCAGCCGCCGGGTACTCCTCGCCATGTCCTGGGACTGCCAGGTAAGG[C>T]GGGGGCCGCTCCTGCGGGGAGACGGGGGTCCCTGGGTTGAGCAGCTGGGGTCCCGGCGCC-3'
Protein context (NP_000426.2, residues 2199-2219): GTPVSPQERP[Pro2209=]PYLAVPGHGE

ClinVar aggregate classification (germline): Likely benign. Review status: criteria provided, multiple submitters, no conflicts (2 of 4 stars). 2 submissions from 2 submitters: Likely benign (2). Last evaluated 2025-07-20.

Allele frequency attached by ClinVar (database versions not stated): gnomAD 0.00001; gnomAD exomes 0.00001 and 0.00002; ExAC 0.00005.
gnomAD v4.1: 23 of 1,547,200 alleles (0.0015%); highest among the groups gnomAD compares: East Asian, 0.0024%; no homozygotes.

Submissions (2):

Labcorp Genetics (formerly Invitae), Labcorp
Classification: Likely benign. Last evaluated: 2025-07-20. Review status: criteria provided, single submitter. Criteria: Invitae Variant Classification Sherloc (09022015). Collection method: clinical testing. Allele origin: germline.

Mayo Clinic Laboratories, Mayo Clinic
Classification: Likely benign. Last evaluated: 2025-04-28. Review status: criteria provided, single submitter. Criteria: ACMG Guidelines, 2015. Collection method: clinical testing. Allele origin: germline. Observed: 1 variant allele.
Comment: BP4, BP7